The following is an entry in ClinVar:

NM_000030.3(AGXT):c.175G>T (p.Glu59Ter)

Gene: AGXT (alanine--glyoxylate aminotransferase; plus strand). Cytogenetic location: 2q37.3.
Variant type: single nucleotide variant.
Coding change: c.175G>T on transcript NM_000030.3 (MANE Select); coding-DNA position 175, G replaced by T.
Protein change: p.Glu59Ter; replaces glutamic acid 59 with a stop codon.
Molecular consequence: nonsense.
Genome position (GRCh38, 1-based): chr2:240,869,179, G>T. VCF-style: chr2-240869179-G-T. GRCh37 (hg19) VCF-style: chr2-241808596-G-T.
Other names: short protein forms E59*.
Identifiers: ClinVar variation 1454950 (VCV001454950.6), dbSNP rs767586362, ClinGen allele CA351313364.

ClinVar aggregate classification (germline): Pathogenic (1 of 4 stars; one submission).

Submission:

Labcorp Genetics (formerly Invitae), Labcorp
Classification: Pathogenic. Last evaluated: 2023-01-06. Review status: criteria provided, single submitter. Criteria: Invitae Variant Classification Sherloc (09022015). Collection method: clinical testing. Allele origin: germline.
Comment: For these reasons, this variant has been classified as Pathogenic. ClinVar contains an entry for this variant (Variation ID: 1454950). This variant has not been reported in the literature in individuals affected with AGXT-related conditions. This variant is not present in population databases (gnomAD no frequency). This sequence change creates a premature translational stop signal (p.Glu59*) in the AGXT gene. It is expected to result in an absent or disrupted protein product. Loss-of-function variants in AGXT are known to be pathogenic (PMID: 19479957).

Literature cited by the submitters: PubMed 19479957.